The following is an entry in ClinVar:

NM_005198.5(CHKB):c.164A>G (p.Glu55Gly)

Genes: CHKB (choline kinase beta; minus strand), CHKB-CPT1B (CHKB-CPT1B readthrough (NMD candidate); minus strand). Cytogenetic location: 22q13.33.
Variant type: single nucleotide variant.
Coding change: c.164A>G on transcript NM_005198.5 (MANE Select); coding-DNA position 164, A replaced by G.
Protein change: p.Glu55Gly; replaces glutamic acid 55 with glycine.
Molecular consequence: missense variant. On other transcripts: non-coding transcript variant (1).
Genome position (GRCh38, 1-based): chr22:50,582,618, T>C on the plus strand (A>G on the coding strand, the complement: CHKB is on the minus strand). VCF-style: chr22-50582618-T-C. GRCh37 (hg19) VCF-style: chr22-51021047-T-C.
Other names: short protein forms E55G.
Identifiers: ClinVar variation 421793 (VCV000421793.2), dbSNP rs773266909, ClinGen allele CA10323896.

ClinVar aggregate classification (germline): Uncertain significance (1 of 4 stars; one submission).

Allele frequency attached by ClinVar (database versions not stated): ExAC 0.00001; gnomAD exomes 0.00001.

Submission:

GeneDx
Classification: Uncertain significance. Last evaluated: 2016-08-08. Review status: criteria provided, single submitter. Criteria: GeneDx Variant Classification (06012015). Collection method: clinical testing. Allele origin: germline. Affected: yes.
Comment: A variant of uncertain significance has been identified in the CHKB gene. The E55G variant has not been published as a pathogenic variant, nor has it been reported as a benign variant to our knowledge. It was not observed in approximately 6,500 individuals of European and African American ancestry in the NHLBI Exome Sequencing Project, indicating it is not a common benign variant in these populations. The E55G variant is a non-conservative amino acid substitution, which is likely to impact secondary protein structure as these residues differ in polarity, charge, size and/or other properties. This substitution occurs at a position that is conserved across species and in silico analysis predicts this variant is probably damaging to the protein structure/function. However, missense variants in nearby residues have not been reported in the Human Gene Mutation Database in association with CHKB-related disorder (Stenson et al., 2014). Therefore, based on the currently available information, it is unclear whether this variant is a pathogenic variant or a rare benign variant.